The following is an entry in ClinVar:

ClinVar aggregate classification (germline): Uncertain significance (1 of 4 stars; one submission).

gnomAD v4.1: 5 of 1,604,006 alleles (0.00031%); highest among the groups gnomAD compares: South Asian, 0.0011%; no homozygotes.

Submission:

Labcorp Genetics (formerly Invitae), Labcorp
Classification: Uncertain significance. Last evaluated: 2022-06-01. Review status: criteria provided, single submitter. Criteria: Invitae Variant Classification Sherloc (09022015). Collection method: clinical testing. Allele origin: germline.
Comment: This variant has not been reported in the literature in individuals affected with SUCO-related conditions. This variant is not present in population databases (gnomAD no frequency). This sequence change replaces alanine, which is neutral and non-polar, with valine, which is neutral and non-polar, at codon 978 of the SUCO protein (p.Ala978Val). In summary, the available evidence is currently insufficient to determine the role of this variant in disease. Therefore, it has been classified as a Variant of Uncertain Significance. Algorithms developed to predict the effect of missense changes on protein structure and function are either unavailable or do not agree on the potential impact of this missense change (SIFT: "Tolerated"; PolyPhen-2: "Possibly Damaging"; Align-GVGD: "Class C0").

NM_014283.5(SUCO):c.2933C>T (p.Ala978Val)

Gene: SUCO (SUN domain containing ossification factor; plus strand). Cytogenetic location: 1q24.3.
Variant type: single nucleotide variant.
Coding change: c.2933C>T on transcript NM_014283.5 (MANE Select); coding-DNA position 2933, C replaced by T.
Protein change: p.Ala978Val; replaces alanine 978 with valine.
Molecular consequence: missense variant.
Genome position (GRCh38, 1-based): chr1:172,600,083, C>T. VCF-style: chr1-172600083-C-T. GRCh37 (hg19) VCF-style: chr1-172569223-C-T.
Other names: c.1820C>T, p.Ala607Val (NM_001282750.2); c.1244C>T, p.Ala415Val (NM_001282751.2); c.3386C>T, p.Ala1129Val (NM_016227.4); short protein forms A1129V, A415V, A978V, A607V.
Identifiers: ClinVar variation 1948412 (VCV001948412.5), dbSNP rs2527472783, ClinGen allele CA343746964.